The following is an entry in ClinVar:

NM_001190844.2(TMEM221):c.810G>A (p.Thr270=)

Gene: TMEM221 (transmembrane protein 221; minus strand). Cytogenetic location: 19p13.11.
Variant type: single nucleotide variant.
Coding change: c.810G>A on transcript NM_001190844.2 (MANE Select); coding-DNA position 810, G replaced by A.
Protein change: p.Thr270=; no amino-acid change (threonine 270 retained).
Molecular consequence: synonymous variant.
Genome position (GRCh38, 1-based): chr19:17,436,524, C>T on the plus strand (G>A on the coding strand, the complement: TMEM221 is on the minus strand). VCF-style: chr19-17436524-C-T. GRCh37 (hg19) VCF-style: chr19-17547333-C-T.
Identifiers: ClinVar variation 2649539 (VCV002649539.24), dbSNP rs557826635, ClinGen allele CA9294799.

ClinVar aggregate classification (germline): Likely benign (1 of 4 stars; one submission).

Allele frequency attached by ClinVar (database versions not stated): gnomAD exomes 0.00067; TOPMed 0.00068; ExAC 0.00091; 1000 Genomes Project 30x 0.00031; 1000 Genomes Project 0.00040; gnomAD 0.00059.

Submission:

CeGaT Center for Human Genetics Tuebingen
Classification: Likely benign. Last evaluated: 2022-07-01. Review status: criteria provided, single submitter. Criteria: CeGaT Center For Human Genetics Tuebingen Variant Classification Criteria Version 2. Collection method: clinical testing. Allele origin: germline. Affected: yes. Observed: 1 variant allele.
Comment: TMEM221: BP4, BP7